The following is an entry in ClinVar:

NM_001349253.2(SCN11A):c.765C>T (p.Asn255=)

Gene: SCN11A (sodium voltage-gated channel alpha subunit 11; minus strand). Cytogenetic location: 3p22.2.
Variant type: single nucleotide variant.
Coding change: c.765C>T on transcript NM_001349253.2 (MANE Select); coding-DNA position 765, C replaced by T.
Protein change: p.Asn255=; no amino-acid change (asparagine 255 retained).
Molecular consequence: synonymous variant.
Genome position (GRCh38, 1-based): chr3:38,921,203, G>A on the plus strand (C>T on the coding strand, the complement: SCN11A is on the minus strand). VCF-style: chr3-38921203-G-A. GRCh37 (hg19) VCF-style: chr3-38962694-G-A.
Other names: c.765C>T, p.Asn255= (NM_014139.3); c.765C>T (NM_014139.2).
Identifiers: ClinVar variation 1540957 (VCV001540957.10), dbSNP rs138445003, ClinGen allele CA2322512.

ClinVar aggregate classification (germline): Likely benign. Review status: criteria provided, multiple submitters, no conflicts (2 of 4 stars). 3 submissions from 3 submitters: Likely benign (3). Last evaluated 2026-03-24.

Conditions:
SCN11A-related disorder. Also called: SCN11A-related condition.
Hereditary sensory and autonomic neuropathy type 7. Also called: Neuropathy, hereditary sensory and autonomic, type VII; HSAN VII. Identifiers: Orphanet 391397, MedGen C3809882, MONDO:0014244, OMIM 615548.
Familial episodic pain syndrome with predominantly lower limb involvement. Also called: Episodic pain syndrome, familial, 3. Identifiers: Orphanet 391384, Orphanet 391392, MedGen C3809899, MONDO:0014247, OMIM 615552.

Allele frequency attached by ClinVar (database versions not stated): gnomAD exomes 0.00002; gnomAD 0.00005 and 0.00006; TOPMed 0.00005; ESP Exome Variant Server 0.00015; ExAC 0.00002.
gnomAD v4.1: 23 of 1,614,088 alleles (0.0014%); highest among the groups gnomAD compares: African/African-American, 0.019%; no homozygotes.

Submissions (3):

PreventionGenetics, part of Exact Sciences
Classification: Likely benign for SCN11A-related condition. Last evaluated: 2026-03-24. Review status: criteria provided, single submitter. Criteria: ACMG Guidelines, 2015. Collection method: clinical testing. Allele origin: germline.
Comment: This variant is classified as likely benign based on ACMG/AMP sequence variant interpretation guidelines (Richards et al. 2015 PMID: 25741868, with internal and published modifications).

Labcorp Genetics (formerly Invitae), Labcorp
Classification: Likely benign for Familial episodic pain syndrome with predominantly lower limb involvement; Hereditary sensory and autonomic neuropathy type 7. Last evaluated: 2024-12-04. Review status: criteria provided, single submitter. Criteria: Invitae Variant Classification Sherloc (09022015). Collection method: clinical testing. Allele origin: germline.

Blueprint Genetics
Classification: Likely benign. Last evaluated: 2020-05-29. Review status: criteria provided, single submitter. Criteria: ACMG Guidelines, 2015. Collection method: clinical testing. Allele origin: germline.